The following is an entry in ClinVar:

NM_000742.4(CHRNA2):c.1063C>G (p.Arg355Gly)

Gene: CHRNA2 (cholinergic receptor nicotinic alpha 2 subunit; minus strand). Cytogenetic location: 8p21.2.
Variant type: single nucleotide variant.
Coding change: c.1063C>G on transcript NM_000742.4 (MANE Select); coding-DNA position 1063, C replaced by G.
Protein change: p.Arg355Gly; replaces arginine 355 with glycine.
Molecular consequence: missense variant.
Genome position (GRCh38, 1-based): chr8:27,463,380, G>C on the plus strand (C>G on the coding strand, the complement: CHRNA2 is on the minus strand). VCF-style: chr8-27463380-G-C. GRCh37 (hg19) VCF-style: chr8-27320897-G-C.
Other names: c.1018C>G, p.Arg340Gly (NM_001282455.2); c.586C>G, p.Arg196Gly (NM_001347705.2, NM_001347706.2); c.469C>G, p.Arg157Gly (NM_001347707.2, NM_001347708.2); short protein forms R157G, R196G, R340G, R355G.
Identifiers: ClinVar variation 864759 (VCV000864759.6), dbSNP rs56339365, ClinGen allele CA4689538.
Genomic context (GRCh38, chr8:27,463,380, plus strand): 5'-GCACACAGCCCAGAAGGGCCCCCCGCACCCAGTGGGGCATGGTGTGGGTGCTGGGGGAGC[G>C]GTGGTGCACATTGAGCACGAAGACGGTGATGACGATGGACAGGGTGACGAAGATCATGGT-3'
Protein context (NP_000733.2, residues 345-365): ITVFVLNVHH[Arg355Gly]SPSTHTMPHW

ClinVar aggregate classification (germline): Uncertain significance (1 of 4 stars; one submission).

Conditions:
Familial sleep-related hypermotor epilepsy. Also called: Autosomal Dominant Sleep-Related Hypermotor (Hyperkinetic) Epilepsy. Identifiers: Orphanet 98784, MedGen C3696898, MONDO:0000030.

Allele frequency attached by ClinVar (database versions not stated): TOPMed 0.00001.
gnomAD v4.1: 32 of 1,613,994 alleles (0.002%); highest among the groups gnomAD compares: Non-Finnish European, 0.00085%; no homozygotes.

Submission:

Labcorp Genetics (formerly Invitae), Labcorp
Classification: Uncertain significance. Last evaluated: 2025-03-27. Review status: criteria provided, single submitter. Criteria: Invitae Variant Classification Sherloc (09022015). Collection method: clinical testing. Allele origin: germline.
Comment: This sequence change replaces arginine, which is basic and polar, with glycine, which is neutral and non-polar, at codon 355 of the CHRNA2 protein (p.Arg355Gly). This variant is present in population databases (rs56339365, gnomAD 0.08%). This variant has not been reported in the literature in individuals affected with CHRNA2-related conditions. ClinVar contains an entry for this variant (Variation ID: 864759). Invitae Evidence Modeling of protein sequence and biophysical properties (such as structural, functional, and spatial information, amino acid conservation, physicochemical variation, residue mobility, and thermodynamic stability) indicates that this missense variant is expected to disrupt CHRNA2 protein function with a positive predictive value of 80%. In summary, the available evidence is currently insufficient to determine the role of this variant in disease. Therefore, it has been classified as a Variant of Uncertain Significance.